The following is an entry in ClinVar:

ClinVar aggregate classification (germline): Uncertain significance (1 of 4 stars; one submission).

Conditions:
Intellectual developmental disorder, autosomal recessive 75, with neuropsychiatric features and variant lissencephaly (MRT75). Identifiers: MedGen C5676961, MONDO:0030785, OMIM 619827.

gnomAD v4.1: 98 of 1,611,124 alleles (0.0061%); highest among the groups gnomAD compares: African/African-American, 0.097%; no homozygotes.

Submission:

Clinical Genomics Laboratory, Washington University in St. Louis
Classification: Uncertain significance for Intellectual developmental disorder, autosomal recessive 75, with neuropsychiatric features and variant lissencephaly. Last evaluated: 2024-09-08. Review status: criteria provided, single submitter. Criteria: ACMG Guidelines, 2015. Collection method: clinical testing. Allele origin: germline.
Comment: The PIDD1 c.2605G>T (p.Val869Leu) variant, to our knowledge, has not been reported in the medical literature. This variant is only observed on 33/277,858 alleles in the general population (gnomAD v.2.1.1), indicating it is not a common variant. Computational predictors are uncertain as to the impact of this variant on PIDD1 function. This variant resides within a region called the Death Domain, amino acids 788-873, of PIDD1 that is defined as a critical functional domain (Sheikh TI et al., PMID: 33414379). Due to limited information, and based on ACMG/AMP guidelines for variant interpretation (Richards S et al., PMID: 25741868), the clinical significance of this variant is uncertain at this time.

NM_145886.4(PIDD1):c.2605G>T (p.Val869Leu)

Gene: PIDD1 (p53-induced death domain protein 1; minus strand). Cytogenetic location: 11p15.5.
Variant type: single nucleotide variant.
Coding change: c.2605G>T on transcript NM_145886.4 (MANE Select); coding-DNA position 2605, G replaced by T.
Protein change: p.Val869Leu; replaces valine 869 with leucine.
Molecular consequence: missense variant.
Genome position (GRCh38, 1-based): chr11:799,435, C>A on the plus strand (G>T on the coding strand, the complement: PIDD1 is on the minus strand). VCF-style: chr11-799435-C-A. GRCh37 (hg19) VCF-style: chr11-799435-C-A.
Other names: c.2554G>T, p.Val852Leu (NM_145887.4); short protein forms V852L, V869L.
Identifiers: ClinVar variation 3600395 (VCV003600395.1).
Genomic context (GRCh38, chr11:799,435, plus strand): 5'-AGCCCATGCGTCGGATGCTGTCCTGGTACTTGCGGCGGCCGAGCTCCAAGACTGCGCGCA[C>A]CTCTTCAGCCACGTCCTGCCGGTCACTCTGCTCCAGGGCCTGCACCAGGAGCCCCACAGC-3'
Protein context (NP_665893.2, residues 859-879): QSDRQDVAEE[Val869Leu]RAVLELGRRK